The following is an entry in ClinVar:

NM_001164508.2(NEB):c.104C>T (p.Thr35Met)

Gene: NEB (nebulin; minus strand). Cytogenetic location: 2q23.3.
Variant type: single nucleotide variant.
Coding change: c.104C>T on transcript NM_001164508.2 (MANE Select); coding-DNA position 104, C replaced by T.
Protein change: p.Thr35Met; replaces threonine 35 with methionine.
Molecular consequence: missense variant.
Genome position (GRCh38, 1-based): chr2:151,727,881, G>A on the plus strand (C>T on the coding strand, the complement: NEB is on the minus strand). VCF-style: chr2-151727881-G-A. GRCh37 (hg19) VCF-style: chr2-152584395-G-A.
Other names: c.104C>T, p.Thr35Met (NM_001164507.2, NM_001271208.2, NM_004543.5); short protein forms T35M.
Identifiers: ClinVar variation 971470 (VCV000971470.9), dbSNP rs749153659, ClinGen allele CA1911992.

ClinVar aggregate classification (germline): Conflicting classifications of pathogenicity. Review status: criteria provided, conflicting classifications (1 of 4 stars). 3 submissions from 3 submitters: Uncertain significance (1); Likely benign (1). 1 of the submissions does not count toward it. Last evaluated 2026-04-05.

Conditions:
Nemaline myopathy 2 (NEM2). Also called: Nemaline myopathy 2, autosomal recessive. Identifiers: MedGen C1850569, MONDO:0009725, OMIM 256030.

Allele frequency attached by ClinVar (database versions not stated): ExAC 0.00002; gnomAD 0.00002 and 0.00003; TOPMed 0.00001; gnomAD exomes 0.00002 and 0.00001.
gnomAD v4.1: 27 of 1,613,212 alleles (0.0017%); highest among the groups gnomAD compares: Middle Eastern, 0.017%; no homozygotes.

Submissions (3):

GeneDx
Classification: Uncertain significance. Last evaluated: 2026-04-05. Review status: criteria provided, single submitter. Criteria: GeneDx Variant Classification Process June 2021. Collection method: clinical testing. Allele origin: germline.
Comment: Not observed at significant frequency in large population cohorts (gnomAD); In silico analysis suggests that this missense variant does not alter protein structure/function; Has not been previously published as pathogenic or benign to our knowledge

Labcorp Genetics (formerly Invitae), Labcorp
Classification: Likely benign for Nemaline myopathy 2. Last evaluated: 2024-01-31. Review status: criteria provided, single submitter. Criteria: Invitae Variant Classification Sherloc (09022015). Collection method: clinical testing. Allele origin: germline.

Natera, Inc.
Classification: Uncertain significance for Nemaline myopathy type 2. Last evaluated: 2020-07-22. Review status: no assertion criteria provided. Collection method: clinical testing. Allele origin: germline. Not counted in ClinVar's aggregate classification.